The following is an entry in ClinVar:

NM_001244008.2(KIF1A):c.3509G>A (p.Ser1170Asn)

Gene: KIF1A (kinesin family member 1A; minus strand). Cytogenetic location: 2q37.3.
Variant type: single nucleotide variant.
Coding change: c.3509G>A on transcript NM_001244008.2 (MANE Select); coding-DNA position 3509, G replaced by A.
Protein change: p.Ser1170Asn; replaces serine 1170 with asparagine.
Molecular consequence: missense variant.
Genome position (GRCh38, 1-based): chr2:240,744,017, C>T on the plus strand (G>A on the coding strand, the complement: KIF1A is on the minus strand). VCF-style: chr2-240744017-C-T. GRCh37 (hg19) VCF-style: chr2-241683434-C-T.
Other names: c.3206G>A (NM_004321.5); c.3233G>A, p.Ser1078Asn (NM_001320705.2, NM_001330289.2, NM_001379638.1); c.3308G>A, p.Ser1103Asn (NM_001330290.2, NM_001379634.1, NM_001379635.1 and 1 more transcripts); c.3584G>A, p.Ser1195Asn (NM_001379631.1); c.3458G>A, p.Ser1153Asn (NM_001379632.1); c.3482G>A, p.Ser1161Asn (NM_001379633.1, NM_001379642.1, NM_001379645.1); c.3206G>A, p.Ser1069Asn (NM_001379636.1, NM_001379639.1, NM_001379641.1 and 5 more transcripts); c.3281G>A, p.Ser1094Asn (NM_001379637.1, NM_001379648.1); and 1 more; short protein forms S1170N, S1069N, S1078N, S1103N, S1068N, S1094N, S1153N, S1161N.
Identifiers: ClinVar variation 532859 (VCV000532859.11), dbSNP rs776451256, ClinGen allele CA2207780.

ClinVar aggregate classification (germline): Conflicting classifications of pathogenicity. Review status: criteria provided, conflicting classifications (1 of 4 stars). 3 submissions from 3 submitters: Uncertain significance (1); Likely benign (2). Last evaluated 2025-06-06.

Conditions:
Inborn genetic diseases. Identifiers: MedGen C0950123, MeSH D030342.
Neuropathy, hereditary sensory, type 2C. Also called: KIF1A-Related HSAN2 (HSAN2C); Hereditary sensory and autonomic neuropathy type IIC. Identifiers: Orphanet 970, MedGen C3280168, MONDO:0013634, OMIM 614213.
Intellectual disability, autosomal dominant 9 (NESCAVS). Also called: NESCAV SYNDROME; KIF1A-Related Neurodevelopmental Disorder. Identifiers: Orphanet 662367, MedGen C5393830, MONDO:0013656, OMIM 614255.
Hereditary spastic paraplegia 30. Identifiers: Orphanet 101010, MedGen C5235139, MONDO:0012476.

Allele frequency attached by ClinVar (database versions not stated): ExAC 0.00002; gnomAD exomes 0.00002.
gnomAD v4.1: 27 of 1,613,816 alleles (0.0017%); highest among the groups gnomAD compares: Non-Finnish European, 0.0022%; no homozygotes.

Submissions (3):

Labcorp Genetics (formerly Invitae), Labcorp
Classification: Likely benign for Hereditary spastic paraplegia 30; Neuropathy, hereditary sensory, type 2C; Intellectual disability, autosomal dominant 9. Last evaluated: 2025-06-06. Review status: criteria provided, single submitter. Criteria: Invitae Variant Classification Sherloc (09022015). Collection method: clinical testing. Allele origin: germline.

Ambry Genetics
Classification: Likely benign for Inborn genetic diseases. Last evaluated: 2025-03-07. Review status: criteria provided, single submitter. Criteria: Ambry Variant Classification Scheme 2023. Collection method: clinical testing. Allele origin: germline.

Women's Health and Genetics/Laboratory Corporation of America, LabCorp
Classification: Uncertain significance. Last evaluated: 2024-01-03. Review status: criteria provided, single submitter. Criteria: LabCorp Variant Classification Summary - May 2015. Collection method: clinical testing. Allele origin: germline.
Comment: Variant summary: KIF1A c.3206G>A (p.Ser1069Asn) results in a conservative amino acid change in the encoded protein sequence. Four of five in-silico tools predict a benign effect of the variant on protein function. The variant allele was found at a frequency of 1.6e-05 in 249196 control chromosomes. The available data on variant occurrences in the general population are insufficient to allow any conclusion about variant significance. To our knowledge, no occurrence of c.3206G>A in individuals affected with NESCAV Syndrome and no experimental evidence demonstrating its impact on protein function have been reported. One submitter has cited clinical-significance assessments for this variant to ClinVar after 2014 and has classified the variant as likely benign. Based on the evidence outlined above, the variant was classified as uncertain significance.